The following is an entry in ClinVar:

GRCh38/hg38 15q15.3(chr15:43576373-43684699)x1

Genes: CATSPER2 (cation channel sperm associated 2; minus strand), CKMT1B (creatine kinase, mitochondrial 1B; plus strand), PPIP5K1 (diphosphoinositol pentakisphosphate kinase 1; minus strand), STRC (stereocilin; minus strand), LOC130056948 (ATAC-STARR-seq lymphoblastoid active region 9316; plus strand) and 1 more. Cytogenetic location: 15q15.3.
Variant type: copy number loss.
Change: copy number 1 (one copy instead of two) of chr15:43,576,373-43,684,699 (108.3 kb, GRCh38 coordinates, 1-based), cytogenetic band 15q15.3.
Identifiers: ClinVar variation 4796354 (VCV004796354.1).

ClinVar aggregate classification (germline): Uncertain significance (1 of 4 stars; one submission).

Submission:

Medical Genetic Center, Changzhi Maternal and Child Health Care Hospital
Classification: Uncertain significance. Last evaluated: 2025-12-10. Review status: criteria provided, single submitter. Criteria: ACMG/ClinGen CNV Guidelines, 2019. Collection method: clinical testing. Allele origin: unknown.
Comment: STRC deletion cariirer